The following is an entry in ClinVar:

NM_144772.3(NAXE):c.761G>A (p.Arg254His)

Gene: NAXE (NAD(P)HX epimerase; plus strand). Cytogenetic location: 1q22.
Variant type: single nucleotide variant.
Coding change: c.761G>A on transcript NM_144772.3 (MANE Select); coding-DNA position 761, G replaced by A.
Protein change: p.Arg254His; replaces arginine 254 with histidine.
Molecular consequence: missense variant.
Genome position (GRCh38, 1-based): chr1:156,593,978, G>A. VCF-style: chr1-156593978-G-A. GRCh37 (hg19) VCF-style: chr1-156563770-G-A.
Other names: short protein forms R254H.
Identifiers: ClinVar variation 1464228 (VCV001464228.6), dbSNP rs778355823, ClinGen allele CA1162917.

ClinVar aggregate classification (germline): Uncertain significance (1 of 4 stars; one submission).

Allele frequency attached by ClinVar (database versions not stated): gnomAD exomes 0.00001; ExAC 0.00002; gnomAD 0.00003; TOPMed 0.00003.
gnomAD v4.1: 22 of 1,614,020 alleles (0.0014%); highest among the groups gnomAD compares: African/African-American, 0.012%; no homozygotes.

Submission:

Labcorp Genetics (formerly Invitae), Labcorp
Classification: Uncertain significance. Last evaluated: 2022-02-09. Review status: criteria provided, single submitter. Criteria: Invitae Variant Classification Sherloc (09022015). Collection method: clinical testing. Allele origin: germline.
Comment: This sequence change replaces arginine, which is basic and polar, with histidine, which is basic and polar, at codon 254 of the NAXE protein (p.Arg254His). This variant is present in population databases (rs778355823, gnomAD 0.005%). This variant has not been reported in the literature in individuals affected with NAXE-related conditions. Algorithms developed to predict the effect of missense changes on protein structure and function (SIFT, PolyPhen-2, Align-GVGD) all suggest that this variant is likely to be tolerated. In summary, the available evidence is currently insufficient to determine the role of this variant in disease. Therefore, it has been classified as a Variant of Uncertain Significance.